The following is an entry in ClinVar:

NM_001164508.2(NEB):c.5194A>G (p.Met1732Val)

Gene: NEB (nebulin; minus strand). Cytogenetic location: 2q23.3.
Variant type: single nucleotide variant.
Coding change: c.5194A>G on transcript NM_001164508.2 (MANE Select); coding-DNA position 5194, A replaced by G.
Protein change: p.Met1732Val; replaces methionine 1732 with valine.
Molecular consequence: missense variant.
Genome position (GRCh38, 1-based): chr2:151,665,377, T>C on the plus strand (A>G on the coding strand, the complement: NEB is on the minus strand). VCF-style: chr2-151665377-T-C. GRCh37 (hg19) VCF-style: chr2-152521891-T-C.
Other names: c.5194A>G, p.Met1732Val (NM_001164507.2, NM_001271208.2, NM_004543.5); short protein forms M1732V.
Identifiers: ClinVar variation 2434305 (VCV002434305.4), dbSNP rs368120887, ClinGen allele CA1910432.

ClinVar aggregate classification (germline): Uncertain significance. Review status: criteria provided, multiple submitters, no conflicts (2 of 4 stars). 2 submissions from 2 submitters: Uncertain significance (2). Last evaluated 2025-11-17.

Conditions:
Nemaline myopathy 2 (NEM2). Also called: Nemaline myopathy 2, autosomal recessive. Identifiers: MedGen C1850569, MONDO:0009725, OMIM 256030.

Allele frequency attached by ClinVar (database versions not stated): gnomAD exomes 0.00001; TOPMed 0.00001; ExAC 0.00002; gnomAD 0.00003; ESP Exome Variant Server 0.00008.

Submissions (2):

Labcorp Genetics (formerly Invitae), Labcorp
Classification: Uncertain significance for Nemaline myopathy 2. Last evaluated: 2025-11-17. Review status: criteria provided, single submitter. Criteria: Invitae Variant Classification Sherloc (09022015). Collection method: clinical testing. Allele origin: germline.
Comment: This sequence change replaces methionine, which is neutral and non-polar, with valine, which is neutral and non-polar, at codon 1732 of the NEB protein (p.Met1732Val). This variant is present in population databases (rs368120887, gnomAD 0.002%). This variant has not been reported in the literature in individuals affected with NEB-related conditions. ClinVar contains an entry for this variant (Variation ID: 2434305). Experimental studies and prediction algorithms are not available or were not evaluated, and the functional significance of this variant is currently unknown. In summary, the available evidence is currently insufficient to determine the role of this variant in disease. Therefore, it has been classified as a Variant of Uncertain Significance.

Revvity Omics, Revvity
Classification: Uncertain significance. Last evaluated: 2021-10-28. Review status: criteria provided, single submitter. Criteria: ACMG Guidelines, 2015. Collection method: clinical testing. Allele origin: germline.